The following is an entry in ClinVar:

ClinVar aggregate classification (germline): Uncertain significance (1 of 4 stars; one submission).

Conditions:
Developmental and epileptic encephalopathy, 36 (DEE36). Also called: ALG13-CDG; Epileptic encephalopathy, early infantile, 36; Congenital disorder of glycosylation, type Is. Identifiers: Orphanet 324422, MedGen C4317295, MONDO:0010472, OMIM 300884.

Submission:

Labcorp Genetics (formerly Invitae), Labcorp
Classification: Uncertain significance for Developmental and epileptic encephalopathy, 36. Last evaluated: 2023-03-09. Review status: criteria provided, single submitter. Criteria: Invitae Variant Classification Sherloc (09022015). Collection method: clinical testing. Allele origin: germline.
Comment: In summary, the available evidence is currently insufficient to determine the role of this variant in disease. Therefore, it has been classified as a Variant of Uncertain Significance. Algorithms developed to predict the effect of sequence changes on RNA splicing suggest that this variant is not likely to affect RNA splicing. This variant has not been reported in the literature in individuals affected with ALG13-related conditions. This variant is not present in population databases (gnomAD no frequency). This sequence change affects codon 278 of the ALG13 mRNA. It is a 'silent' change, meaning that it does not change the encoded amino acid sequence of the ALG13 protein. It affects a nucleotide within the consensus splice site.

NM_001099922.3(ALG13):c.834T>A (p.Ser278=)

Gene: ALG13 (ALG13 UDP-N-acetylglucosaminyltransferase subunit; plus strand). Cytogenetic location: Xq23.
Variant type: single nucleotide variant.
Coding change: c.834T>A on transcript NM_001099922.3 (MANE Select); coding-DNA position 834, T replaced by A.
Protein change: p.Ser278=; no amino-acid change (serine 278 retained).
Molecular consequence: synonymous variant. On other transcripts: non-coding transcript variant (1).
Genome position (GRCh38, 1-based): chrX:111,709,048, T>A. VCF-style: chrX-111709048-T-A. GRCh37 (hg19) VCF-style: chrX-110952276-T-A.
Other names: c.522T>A, p.Ser174= (NM_001257230.2, NM_001257234.2, NM_001257237.2 and 1 more transcripts); c.600T>A, p.Ser200= (NM_001257231.2); c.834T>A, p.Ser278= (NM_001324292.2).
Identifiers: ClinVar variation 2844565 (VCV002844565.3), dbSNP rs2525582126, ClinGen allele CA518059319.